The following is an entry in ClinVar:

NM_006267.5(RANBP2):c.2872G>T (p.Gly958Cys)

Gene: RANBP2 (RAN binding protein 2; plus strand). Cytogenetic location: 2q13.
Variant type: single nucleotide variant.
Coding change: c.2872G>T on transcript NM_006267.5 (MANE Select); coding-DNA position 2872, G replaced by T.
Protein change: p.Gly958Cys; replaces glycine 958 with cysteine.
Molecular consequence: missense variant.
Genome position (GRCh38, 1-based): chr2:108,763,411, G>T. VCF-style: chr2-108763411-G-T. GRCh37 (hg19) VCF-style: chr2-109379867-G-T.
Other names: c.2872G>T, p.Gly958Cys (NM_001415871.1, NM_001415873.1); c.2869G>T, p.Gly957Cys (NM_001415872.1); short protein forms G957C, G958C.
Identifiers: ClinVar variation 3899683 (VCV003899683.1).
Genomic context (GRCh38, chr2:108,763,411, plus strand): 5'-ATGTATGGTCCTCCTGCATTGCGTTTTGAGTCTCCTGCAACGGGAATTCTATCGCCCAGG[G>T]GTGATGATTACTTTAATTACAATGTTCAACAGACAAGCACAAATCCACCTTTGCCAGAAC-3'
Protein context (NP_006258.3, residues 948-968): SPATGILSPR[Gly958Cys]DDYFNYNVQQ

ClinVar aggregate classification (germline): Uncertain significance (1 of 4 stars; one submission).

Submission:

GeneDx
Classification: Uncertain significance. Last evaluated: 2024-11-19. Review status: criteria provided, single submitter. Criteria: GeneDx Variant Classification Process June 2021. Collection method: clinical testing. Allele origin: germline. Affected: yes.
Comment: Not observed at significant frequency in large population cohorts (gnomAD); In silico analysis supports that this missense variant has a deleterious effect on protein structure/function; Has not been previously published as pathogenic or benign to our knowledge